The following is an entry in ClinVar:

ClinVar aggregate classification (germline): Pathogenic (1 of 4 stars; one submission).

Allele frequency attached by ClinVar (database versions not stated): gnomAD exomes 0.00002; ExAC 0.00007.

Submission:

Labcorp Genetics (formerly Invitae), Labcorp
Classification: Pathogenic. Last evaluated: 2024-01-18. Review status: criteria provided, single submitter. Criteria: Invitae Variant Classification Sherloc (09022015). Collection method: clinical testing. Allele origin: germline.
Comment: This sequence change creates a premature translational stop signal (p.Asn275Ilefs*18) in the TET2 gene. It is expected to result in an absent or disrupted protein product. Loss-of-function variants in TET2 are known to be pathogenic (PMID: 36066697). The frequency data for this variant in the population databases is considered unreliable, as metrics indicate poor data quality at this position in the gnomAD database. This variant has not been reported in the literature in individuals affected with TET2-related conditions. ClinVar contains an entry for this variant (Variation ID: 1936676). For these reasons, this variant has been classified as Pathogenic.

Literature cited by the submitters: PubMed 36066697.

NM_001127208.3(TET2):c.822del (p.Asn275fs)

Genes: TET2 (tet methylcytosine dioxygenase 2; plus strand), TET2-AS1 (TET2 antisense RNA 1; minus strand). Cytogenetic location: 4q24.
Variant type: Deletion.
Coding change: c.822del on transcript NM_001127208.3 (MANE Select); coding-DNA position 822, one base deleted (C; older notation c.822delC).
Protein change: p.Asn275fs; shifts the reading frame from asparagine 275.
Molecular consequence: frameshift variant.
Genome position (GRCh38, 1-based): chr4:105,234,764, C deleted. VCF-style (leftmost placement, unchanged base first): chr4-105234763-TC-T. GRCh37 (hg19) VCF-style: chr4-106155920-TC-T.
Other names: c.822del, p.Asn275fs (NM_017628.4); short protein forms N275fs.
Identifiers: ClinVar variation 1936676 (VCV001936676.5), dbSNP rs777145283, ClinGen allele CA3031570.
Genomic context (GRCh38, chr4:105,234,763, plus strand): 5'-GTCAGGCTACTAATGAGTTGTCCTGTGAGATCACTCACCCATCGCATACCTCAGGGCAGA[TC>T]AATTCCGCACAGACCTCTAACTCTGAGCTGCCTCCAAAGCCAGCTGCAGTGGTGAGTGAG-3'